The following is an entry in ClinVar:

NM_000038.6(APC):c.730-7T>C

Gene: APC (APC regulator of Wnt signaling pathway; plus strand). Cytogenetic location: 5q22.2.
Variant type: single nucleotide variant.
Coding change: c.730-7T>C on transcript NM_000038.6 (MANE Select); 7 bases into the intron before coding-DNA position 730, T replaced by C.
Molecular consequence: intron variant.
Genome position (GRCh38, 1-based): chr5:112,801,272, T>C. VCF-style: chr5-112801272-T-C. GRCh37 (hg19) VCF-style: chr5-112136969-T-C.
Other names: c.-306-7T>C (NM_001407470.1, NM_001407472.1, NM_001354906.2 and 1 more transcripts); c.730-7T>C (NM_001407447.1, NM_001354895.2, NM_001407456.1 and 12 more transcripts); c.646-7T>C (NM_001407452.1, NM_001407469.1, NM_001354899.2 and 1 more transcripts); c.760-7T>C (NM_001407446.1, NM_001354897.2, NM_001354902.2); c.676-7T>C (NM_001127511.3); c.553-7T>C (NM_001407453.1, NM_001354900.2, NM_001354901.2 and 1 more transcripts); c.655-7T>C (NM_001407451.1, NM_001354898.2, NM_001354904.2).
Identifiers: ClinVar variation 2663068 (VCV002663068.2), dbSNP rs2532749090, ClinGen allele CA2695198711.

ClinVar aggregate classification (germline): Conflicting classifications of pathogenicity. Review status: criteria provided, conflicting classifications (1 of 4 stars). 2 submissions from 2 submitters: Uncertain significance (1); Likely benign (1). Last evaluated 2025-03-01.

Conditions:
Familial adenomatous polyposis 1 (FAP1). Also called: FAMILIAL ADENOMATOUS POLYPOSIS 1, ATTENUATED; POLYPOSIS, ADENOMATOUS INTESTINAL. Identifiers: MedGen C2713442, MONDO:0021056, OMIM 175100. Disease mechanism: loss of function.

Submissions (2):

Labcorp Genetics (formerly Invitae), Labcorp
Classification: Likely benign for Familial adenomatous polyposis 1. Last evaluated: 2025-03-01. Review status: criteria provided, single submitter. Criteria: Invitae Variant Classification Sherloc (09022015). Collection method: clinical testing. Allele origin: germline.

GeneDx
Classification: Uncertain significance. Last evaluated: 2023-05-08. Review status: criteria provided, single submitter. Criteria: GeneDx Variant Classification Process June 2021. Collection method: clinical testing. Allele origin: germline. Affected: yes.
Comment: Not observed at significant frequency in large population cohorts (gnomAD); In silico analysis supports that this variant does not alter splicing; Has not been previously published as pathogenic or benign to our knowledge